The following is an entry in ClinVar:

ClinVar aggregate classification (germline): Uncertain significance (1 of 4 stars; one submission).

Allele frequency attached by ClinVar (database versions not stated): gnomAD exomes below 0.00001.
gnomAD v4.1: 1 of 1,614,208 alleles (0.000062%); highest among the groups gnomAD compares: Non-Finnish European, 0.000085%; no homozygotes.

Submission:

GeneDx
Classification: Uncertain significance. Last evaluated: 2022-05-02. Review status: criteria provided, single submitter. Criteria: GeneDx Variant Classification Process June 2021. Collection method: clinical testing. Allele origin: germline. Affected: yes.
Comment: Not observed at significant frequency in large population cohorts (gnomAD); In silico analysis supports that this missense variant has a deleterious effect on protein structure/function; Has not been previously published as pathogenic or benign to our knowledge

NM_001376.5(DYNC1H1):c.698G>A (p.Gly233Asp)

Gene: DYNC1H1 (dynein cytoplasmic 1 heavy chain 1; plus strand). Cytogenetic location: 14q32.31.
Variant type: single nucleotide variant.
Coding change: c.698G>A on transcript NM_001376.5 (MANE Select); coding-DNA position 698, G replaced by A.
Protein change: p.Gly233Asp; replaces glycine 233 with aspartic acid.
Molecular consequence: missense variant.
Genome position (GRCh38, 1-based): chr14:101,979,898, G>A. VCF-style: chr14-101979898-G-A. GRCh37 (hg19) VCF-style: chr14-102446235-G-A.
Other names: short protein forms G233D.
Identifiers: ClinVar variation 1722840 (VCV001722840.2), dbSNP rs2503679471, ClinGen allele CA391008755.